The following is an entry in ClinVar:

ClinVar aggregate classification (germline): Uncertain significance. Review status: criteria provided, multiple submitters, no conflicts (2 of 4 stars). 2 submissions from 2 submitters: Uncertain significance (2). Last evaluated 2024-11-24.

Allele frequency attached by ClinVar (database versions not stated): gnomAD exomes 0.00001.

Submissions (2):

Ambry Genetics
Classification: Uncertain significance. Last evaluated: 2024-11-24. Review status: criteria provided, single submitter. Criteria: Ambry Variant Classification Scheme 2023. Collection method: clinical testing. Allele origin: germline.

Labcorp Genetics (formerly Invitae), Labcorp
Classification: Uncertain significance. Last evaluated: 2023-11-27. Review status: criteria provided, single submitter. Criteria: Invitae Variant Classification Sherloc (09022015). Collection method: clinical testing. Allele origin: germline.
Comment: This sequence change replaces proline, which is neutral and non-polar, with serine, which is neutral and polar, at codon 67 of the IRF2BP2 protein (p.Pro67Ser). This variant is not present in population databases (gnomAD no frequency). This variant has not been reported in the literature in individuals affected with IRF2BP2-related conditions. Algorithms developed to predict the effect of missense changes on protein structure and function output the following: SIFT: "Not Available"; PolyPhen-2: "Benign"; Align-GVGD: "Not Available". The serine amino acid residue is found in multiple mammalian species, which suggests that this missense change does not adversely affect protein function. In summary, the available evidence is currently insufficient to determine the role of this variant in disease. Therefore, it has been classified as a Variant of Uncertain Significance.

NM_182972.3(IRF2BP2):c.199C>T (p.Pro67Ser)

Gene: IRF2BP2 (interferon regulatory factor 2 binding protein 2; minus strand). Cytogenetic location: 1q42.3.
Variant type: single nucleotide variant.
Coding change: c.199C>T on transcript NM_182972.3 (MANE Select); coding-DNA position 199, C replaced by T.
Protein change: p.Pro67Ser; replaces proline 67 with serine.
Molecular consequence: missense variant.
Genome position (GRCh38, 1-based): chr1:234,609,296, G>A on the plus strand (C>T on the coding strand, the complement: IRF2BP2 is on the minus strand). VCF-style: chr1-234609296-G-A. GRCh37 (hg19) VCF-style: chr1-234745042-G-A.
Other names: c.199C>T (NM_182972.2); c.199C>T, p.Pro67Ser (NM_001077397.1); short protein forms P67S.
Identifiers: ClinVar variation 2976171 (VCV002976171.4), dbSNP rs944069598, ClinGen allele CA39546937.